The following is an entry in ClinVar:

NM_002633.3(PGM1):c.1411G>A (p.Ala471Thr)

Gene: PGM1 (phosphoglucomutase 1; plus strand). Cytogenetic location: 1p31.3.
Variant type: single nucleotide variant.
Coding change: c.1411G>A on transcript NM_002633.3 (MANE Select); coding-DNA position 1411, G replaced by A.
Protein change: p.Ala471Thr; replaces alanine 471 with threonine.
Molecular consequence: missense variant.
Genome position (GRCh38, 1-based): chr1:63,651,799, G>A. VCF-style: chr1-63651799-G-A. GRCh37 (hg19) VCF-style: chr1-64117470-G-A.
Other names: c.1465G>A, p.Ala489Thr (NM_001172818.1); c.820G>A, p.Ala274Thr (NM_001172819.2); short protein forms A471T, A489T, A274T.
Identifiers: ClinVar variation 297889 (VCV000297889.9), dbSNP rs148979330, ClinGen allele CA889825.
Genomic context (GRCh38, chr1:63,651,799, plus strand): 5'-GATCGCTCCTTTGTGGGGAAGCAGTTCTCAGCAAATGACAAAGTTTACACTGTGGAGAAG[G>A]CCGATAACTTTGAATACAGCGACCCAGTGGATGGAAGCATTTCAAGAAATCAGGTAGAAA-3'
Protein context (NP_002624.2, residues 461-481): ANDKVYTVEK[Ala471Thr]DNFEYSDPVD

ClinVar aggregate classification (germline): Uncertain significance. Review status: criteria provided, multiple submitters, no conflicts (2 of 4 stars). 3 submissions from 3 submitters: Uncertain significance (3). Last evaluated 2022-06-22.

Conditions:
PGM1-congenital disorder of glycosylation. Also called: Congenital disorder of glycosylation type 1t; PHOSPHOGLUCOMUTASE 1 DEFICIENCY; PGM1 DEFICIENCY; GLYCOGEN STORAGE DISEASE XIV; GSD XIV; CDG It. Identifiers: Orphanet 319646, MedGen C2752015, MONDO:0013968, OMIM 614921.

Allele frequency attached by ClinVar (database versions not stated): TOPMed 0.00002; ESP Exome Variant Server 0.00008.
gnomAD v4.1: 24 of 1,613,928 alleles (0.0015%); highest among the groups gnomAD compares: Admixed American, 0.0033%; no homozygotes.

Submissions (3):

Blueprint Genetics
Classification: Uncertain significance. Last evaluated: 2022-06-22. Review status: criteria provided, single submitter. Criteria: ACMG Guidelines, 2015. Collection method: clinical testing. Allele origin: germline.

Labcorp Genetics (formerly Invitae), Labcorp
Classification: Uncertain significance for PGM1-congenital disorder of glycosylation. Last evaluated: 2022-05-20. Review status: criteria provided, single submitter. Criteria: Invitae Variant Classification Sherloc (09022015). Collection method: clinical testing. Allele origin: germline.
Comment: ClinVar contains an entry for this variant (Variation ID: 297889). This sequence change replaces alanine, which is neutral and non-polar, with threonine, which is neutral and polar, at codon 471 of the PGM1 protein (p.Ala471Thr). This variant is present in population databases (rs148979330, gnomAD 0.006%). This variant has not been reported in the literature in individuals affected with PGM1-related conditions. Algorithms developed to predict the effect of missense changes on protein structure and function (SIFT, PolyPhen-2, Align-GVGD) all suggest that this variant is likely to be tolerated. In summary, the available evidence is currently insufficient to determine the role of this variant in disease. Therefore, it has been classified as a Variant of Uncertain Significance.

Breakthrough Genomics
Classification: Uncertain significance. Review status: criteria provided, single submitter. Criteria: ACMG Guidelines, 2015. Collection method: not provided. Allele origin: germline. Inheritance: Autosomal recessive inheritance. Affected: yes.